The following is an entry in ClinVar:

ClinVar aggregate classification (germline): Pathogenic (1 of 4 stars; one submission).

Submission:

Labcorp Genetics (formerly Invitae), Labcorp
Classification: Pathogenic. Last evaluated: 2024-05-15. Review status: criteria provided, single submitter. Criteria: Invitae Variant Classification Sherloc (09022015). Collection method: clinical testing. Allele origin: germline.
Comment: This sequence change creates a premature translational stop signal (p.Gln707*) in the CYLD gene. It is expected to result in an absent or disrupted protein product. Loss-of-function variants in CYLD are known to be pathogenic (PMID: 19462465). This variant is not present in population databases (gnomAD no frequency). This premature translational stop signal has been observed in individual(s) with Brooke-Spiegler syndrome (PMID: 20502185). Algorithms developed to predict the effect of sequence changes on RNA splicing suggest that this variant may disrupt the consensus splice site. For these reasons, this variant has been classified as Pathogenic.

Literature cited by the submitters: PubMed 19462465; PubMed 20502185.

NM_001378743.1(CYLD):c.2119C>T (p.Gln707Ter)

Genes: CYLD (CYLD lysine 63 deubiquitinase; plus strand), CYLD-AS2 (CYLD antisense RNA 2; minus strand). Cytogenetic location: 16q12.1.
Variant type: single nucleotide variant.
Coding change: c.2119C>T on transcript NM_001378743.1 (MANE Select); coding-DNA position 2119, C replaced by T.
Protein change: p.Gln707Ter; replaces glutamine 707 with a stop codon.
Molecular consequence: nonsense. On other transcripts: non-coding transcript variant (1).
Genome position (GRCh38, 1-based): chr16:50,791,568, C>T. VCF-style: chr16-50791568-C-T. GRCh37 (hg19) VCF-style: chr16-50825479-C-T.
Other names: c.2110C>T, p.Gln704Ter (NM_001378749.1, NM_001378750.1, NM_001042355.2 and 6 more transcripts); c.2080C>T, p.Gln694Ter (NM_001378751.1, NM_001378752.1, NM_001378753.1); c.1444C>T, p.Gln482Ter (NM_001378754.1, NM_001378755.1); c.2119C>T, p.Gln707Ter (NM_015247.3); short protein forms Q704*, Q482*, Q694*, Q707*.
Identifiers: ClinVar variation 3722188 (VCV003722188.2).
Genomic context (GRCh38, chr16:50,791,568, plus strand): 5'-AAGCATTTGATAAATAGGTTGTATGTATTTTTTTCTCTGCGTGTTTTTAGATCAGCAGGT[C>T]AAAAGGTACAAGATTGTTACTTCTATCAAATTTTTATGGAAAAAAATGAGAAAGTTGGCG-3'